The following is an entry in ClinVar:

ClinVar aggregate classification (germline): Pathogenic (1 of 4 stars; one submission).

Conditions:
Hereditary cancer-predisposing syndrome. Also called: Tumor predisposition; Neoplastic Syndromes, Hereditary; Hereditary Cancer Syndrome; Hereditary neoplastic syndrome. Identifiers: Orphanet 140162, MedGen C0027672, MeSH D009386, MONDO:0015356.

Submission:

Ambry Genetics
Classification: Pathogenic for Hereditary cancer-predisposing syndrome. Last evaluated: 2024-11-07. Review status: criteria provided, single submitter. Criteria: Ambry Variant Classification Scheme 2023. Collection method: clinical testing. Allele origin: germline.
Comment: The c.1736_1737dupGG pathogenic mutation, located in coding exon 12 of the CDH1 gene, results from a duplication of GG at nucleotide position 1736, causing a translational frameshift with a predicted alternate stop codon (p.T580Gfs*5). This variant is considered to be rare based on population cohorts in the Genome Aggregation Database (gnomAD). This alteration is expected to result in loss of function by premature protein truncation or nonsense-mediated mRNA decay. As such, this alteration is interpreted as a disease-causing mutation.

NM_004360.5(CDH1):c.1736_1737dup (p.Thr580fs)

Gene: CDH1 (cadherin 1; plus strand). Cytogenetic location: 16q22.1.
Variant type: Duplication.
Coding change: c.1736_1737dup on transcript NM_004360.5 (MANE Select); coding-DNA positions 1736 to 1737, 2 bases duplicated (GG; older notation c.1736_1737dupGG).
Protein change: p.Thr580fs; shifts the reading frame from threonine 580.
Molecular consequence: frameshift variant. On other transcripts: 5 prime UTR variant (1).
Genome position (GRCh38, 1-based): chr16:68,822,025-68,822,026, GG duplicated; duplicating any 2 consecutive bases within chr16:68,822,024-68,822,026 gives the same sequence; the c. name uses the placement nearest the transcript's 3' end. VCF-style (leftmost placement, unchanged base first): chr16-68822023-A-AGG. GRCh37 (hg19) VCF-style: chr16-68855926-A-AGG.
Other names: c.1553_1554dup, p.Thr519fs (NM_001317184.2); c.188_189dup, p.Thr64fs (NM_001317185.2); c.-230_-229dup (NM_001317186.2); c.1736_1737dupGG (NM_004360.3); short protein forms T519fs, T580fs, T64fs.
Identifiers: ClinVar variation 3488664 (VCV003488664.1).